The following is an entry in ClinVar:

NM_005702.4(ERAL1):c.890T>C (p.Ile297Thr)

Genes: ERAL1 (Era like 12S mitochondrial rRNA chaperone 1; plus strand), LOC126862526 (BRD4-independent group 4 enhancer GRCh37_chr17:27185111-27186310; plus strand). Cytogenetic location: 17q11.2.
Variant type: single nucleotide variant.
Coding change: c.890T>C on transcript NM_005702.4 (MANE Select); coding-DNA position 890, T replaced by C.
Protein change: p.Ile297Thr; replaces isoleucine 297 with threonine.
Molecular consequence: missense variant. On other transcripts: intron variant (1).
Genome position (GRCh38, 1-based): chr17:28,858,754, T>C. VCF-style: chr17-28858754-T-C. GRCh37 (hg19) VCF-style: chr17-27185772-T-C.
Other names: c.887T>C, p.Ile296Thr (NM_001317985.2); c.712-210T>C (NM_001317986.2); short protein forms I296T, I297T.
Identifiers: ClinVar variation 3051053 (VCV003051053.2), dbSNP rs201357781, ClinGen allele CA8468724.

ClinVar aggregate classification (germline): Likely benign (0 of 4 stars; one submission).

Conditions:
ERAL1-related disorder. Also called: ERAL1-related condition.

Allele frequency attached by ClinVar (database versions not stated): ESP Exome Variant Server 0.00008; 1000 Genomes Project 30x 0.00016; 1000 Genomes Project 0.00020; TOPMed 0.00020; gnomAD exomes 0.00058; gnomAD 0.00072; ExAC 0.00108.

Submission:

PreventionGenetics, part of Exact Sciences
Classification: Likely benign for ERAL1-related condition. Last evaluated: 2019-04-24. Review status: no assertion criteria provided. Collection method: clinical testing. Allele origin: germline.
Comment: This variant is classified as likely benign based on ACMG/AMP sequence variant interpretation guidelines (Richards et al. 2015 PMID: 25741868, with internal and published modifications).